The following is an entry in ClinVar:

ClinVar aggregate classification (germline): Uncertain significance. Review status: criteria provided, multiple submitters, no conflicts (2 of 4 stars). 2 submissions from 2 submitters: Uncertain significance (2). Last evaluated 2026-02-11.

Conditions:
Neurodevelopmental disorder with hypotonia, brain anomalies, distinctive facies, and absent language. Also called: ReNU SYNDROME; RNU4-2–Related Autosomal Dominant Neurodevelopmental Disorder; RNU4-2-Related Neurodevelopmental Disorder. Identifiers: Orphanet 686488, MedGen C5935628, MONDO:0971172, OMIM 620851.

Submissions (2):

Centre for Population Genomics, CPG
Classification: Uncertain significance for RNU4-2-Related Neurodevelopmental Disorder. Last evaluated: 2026-02-11. Review status: criteria provided, single submitter. Criteria: Ellingford et al. (Genome Med. 2022). Collection method: research. Allele origin: germline. Inheritance: Autosomal recessive inheritance. Affected: yes. Observed: 1 variant allele, 1 compound heterozygote.
Comment: PM2_supp,PM1

Tartaglia Lab, Genetics and Rare Diseases Research Division, Bambino Gesu' Children's Hospital
Classification: Uncertain significance for Neurodevelopmental disorder with hypotonia, brain anomalies, distinctive facies, and absent language. Last evaluated: 2024-11-27. Review status: criteria provided, single submitter. Criteria: ACMG Guidelines, 2015. Collection method: clinical testing. Allele origin: maternal. Inheritance: Autosomal dominant inheritance. Affected: yes. Observed: 1 heterozygote.
Comment: To assess the classification of the n.43_44insT variant, ACMG criteria were applied as follows: PP4-Supporting (variant identified in a subject clinically fitting ReNU syndrome); PM2-Moderate (gnomAD v.4.1.0); BS4-Strong (maternally inherited); PP3-Supporting (documented structural impact). Based on this evidence, the variant is classified as VUS.

NR_003137.3(RNU4-2):n.43_44insT

Genes: RNU4-2 (RNA, U4 small nuclear 2; minus strand), SIRT4 (sirtuin 4; plus strand). Cytogenetic location: 12q24.23.
Variant type: Insertion.
Molecular consequence: non-coding transcript variant (on NR_003137.3).
Genome position: GRCh38 VCF-style: chr12-120291860-T-TA. GRCh37 (hg19) VCF-style: chr12-120729663-T-TA.
Identifiers: ClinVar variation 3390370 (VCV003390370.3).